The following is an entry in ClinVar:

ClinVar aggregate classification (germline): Uncertain significance (1 of 4 stars; one submission).

Submission:

Ambry Genetics
Classification: Uncertain significance. Last evaluated: 2025-10-21. Review status: criteria provided, single submitter. Criteria: Ambry Variant Classification Scheme 2023. Collection method: clinical testing. Allele origin: germline.
Comment: The p.A451D variant (also known as c.1352C>A), located in coding exon 6 of the WNK2 gene, results from a C to A substitution at nucleotide position 1352. The alanine at codon 451 is replaced by aspartic acid, an amino acid with dissimilar properties. This amino acid position is conserved. In addition, the in silico prediction for this alteration is inconclusive. Based on the available evidence, the clinical significance of this variant remains unclear.

NM_006648.4(WNK2):c.1352C>A (p.Ala451Asp)

Gene: WNK2 (WNK lysine deficient protein kinase 2; plus strand). Cytogenetic location: 9q22.31.
Variant type: single nucleotide variant.
Coding change: c.1352C>A on transcript NM_006648.4 (MANE Select); coding-DNA position 1352, C replaced by A.
Protein change: p.Ala451Asp; replaces alanine 451 with aspartic acid.
Molecular consequence: missense variant.
Genome position (GRCh38, 1-based): chr9:93,239,786, C>A. VCF-style: chr9-93239786-C-A. GRCh37 (hg19) VCF-style: chr9-96002068-C-A.
Other names: c.1352C>A, p.Ala451Asp (NM_001282394.3); short protein forms A451D.
Identifiers: ClinVar variation 4605276 (VCV004605276.1).